The following is an entry in ClinVar:

NM_032578.4(MYPN):c.1990C>T (p.Gln664Ter)

Gene: MYPN (myopalladin; plus strand). Cytogenetic location: 10q21.3.
Variant type: single nucleotide variant.
Coding change: c.1990C>T on transcript NM_032578.4 (MANE Select); coding-DNA position 1990, C replaced by T.
Protein change: p.Gln664Ter; replaces glutamine 664 with a stop codon.
Molecular consequence: nonsense. On other transcripts: non-coding transcript variant (2).
Genome position (GRCh38, 1-based): chr10:68,174,082, C>T. VCF-style: chr10-68174082-C-T. GRCh37 (hg19) VCF-style: chr10-69933839-C-T.
Other names: c.1990C>T, p.Gln664Ter (NM_001256267.2); c.1108C>T, p.Gln370Ter (NM_001256268.2); short protein forms Q370*, Q664*.
Identifiers: ClinVar variation 1448371 (VCV001448371.6), dbSNP rs2134198422, ClinGen allele CA376843158.
Genomic context (GRCh38, chr10:68,174,082, plus strand): 5'-ATAACACATTTCCTTCTCTCTCTCCACCCTTGTTTTGTGTACAGTGATTCCACTCAGTTA[C>T]AACAGCTTCATAACCAAGTCTTACTGGAACAACACCAATTGCAAAACCCACCTCCTTCAT-3'

ClinVar aggregate classification (germline): Pathogenic (1 of 4 stars; one submission).

Conditions:
Dilated cardiomyopathy 1KK (CMD1KK). Identifiers: Orphanet 154, Orphanet 75249, MedGen C3714995, MONDO:0014100, OMIM 615248.

Submission:

Labcorp Genetics (formerly Invitae), Labcorp
Classification: Pathogenic for Dilated cardiomyopathy 1KK. Last evaluated: 2021-02-22. Review status: criteria provided, single submitter. Criteria: Invitae Variant Classification Sherloc (09022015). Collection method: clinical testing. Allele origin: germline.
Comment: This sequence change creates a premature translational stop signal (p.Gln664*) in the MYPN gene. It is expected to result in an absent or disrupted protein product. Loss-of-function variants in MYPN are known to be pathogenic (PMID: 28017374). This variant is not present in population databases (ExAC no frequency). This variant has not been reported in the literature in individuals with MYPN-related conditions. For these reasons, this variant has been classified as Pathogenic.

Literature cited by the submitters: PubMed 28017374.